The following is an entry in ClinVar:

ClinVar aggregate classification (germline): Uncertain significance (1 of 4 stars; one submission).

Submission:

Labcorp Genetics (formerly Invitae), Labcorp
Classification: Uncertain significance. Last evaluated: 2024-06-19. Review status: criteria provided, single submitter. Criteria: Invitae Variant Classification Sherloc (09022015). Collection method: clinical testing. Allele origin: germline.
Comment: This variant results in the deletion of part of exon 10 (c.2243-9_2251del) of the DSCAML1 gene. It is expected to disrupt RNA splicing. Variants that disrupt the donor or acceptor splice site typically lead to a loss of protein function (PMID: 16199547), however the current clinical and genetic evidence is not sufficient to establish whether loss-of-function variants in DSCAML1 cause disease. This variant is not present in population databases (gnomAD no frequency). This variant has not been reported in the literature in individuals affected with DSCAML1-related conditions. In summary, the available evidence is currently insufficient to determine the role of this variant in disease. Therefore, it has been classified as a Variant of Uncertain Significance.

Literature cited by the submitters: PubMed 16199547.

NM_020693.4(DSCAML1):c.2063-9_2071del

Gene: DSCAML1 (DS cell adhesion molecule like 1; minus strand). Cytogenetic location: 11q23.3.
Variant type: Deletion.
Coding change: c.2063-9_2071del on transcript NM_020693.4 (MANE Select); 9 bases into the intron before coding-DNA position 2063 through coding-DNA position 2071, 18 bases deleted (TTTCTGCAGTGCCCCCTC).
Molecular consequence: splice acceptor variant.
Genome position (GRCh38, 1-based): chr11:117,505,035-117,505,052, GAGGGGGCACTGCAGAAA deleted on the plus strand (TTTCTGCAGTGCCCCCTC on the coding strand, the reverse complement: DSCAML1 is on the minus strand); deleting any 18 consecutive bases within chr11:117,505,035-117,505,057 gives the same sequence; the c. name uses the placement nearest the transcript's 3' end. VCF-style (leftmost placement, unchanged base first): chr11-117505034-CGAGGGGGCACTGCAGAAA-C. GRCh37 (hg19) VCF-style: chr11-117375749-CGAGGGGGCACTGCAGAAA-C.
Other names: c.2063-9_2071del (NM_001367904.1).
Identifiers: ClinVar variation 3656965 (VCV003656965.2).